The following is an entry in ClinVar:

NM_020884.7(MYH7B):c.5711G>A (p.Arg1904His)

Gene: MYH7B (myosin heavy chain 7B; plus strand). Cytogenetic location: 20q11.22.
Variant type: single nucleotide variant.
Coding change: c.5711G>A on transcript NM_020884.7 (MANE Select); coding-DNA position 5711, G replaced by A.
Protein change: p.Arg1904His; replaces arginine 1904 with histidine.
Molecular consequence: missense variant.
Genome position (GRCh38, 1-based): chr20:35,001,982, G>A. VCF-style: chr20-35001982-G-A. GRCh37 (hg19) VCF-style: chr20-33589785-G-A.
Other names: c.5837G>A (NM_020884.3, NM_020884.4); short protein forms R1904H.
Identifiers: ClinVar variation 1504867 (VCV001504867.9), dbSNP rs200260477, ClinGen allele CA9828723.
Genomic context (GRCh38, chr20:35,001,982, plus strand): 5'-AACCAAGGCCCTGTGTGTGCCCCCAGGAGCAGCAGGCCAACACCAACCTGGCCAAGTATC[G>A]CAAGGCCCAGCACGAGCTGGATGATGCGGAGGAGCGGGCAGACATGGCGGAAACCCAGGC-3'
Protein context (NP_065935.4, residues 1894-1914): QQANTNLAKY[Arg1904His]KAQHELDDAE

ClinVar aggregate classification (germline): Uncertain significance. Review status: criteria provided, multiple submitters, no conflicts (2 of 4 stars). 3 submissions from 3 submitters: Uncertain significance (3). Last evaluated 2026-06-16.

Conditions:
MYH7B-related disorder. Also called: MYH7B-related condition.

Allele frequency attached by ClinVar (database versions not stated): 1000 Genomes Project 30x 0.00016; gnomAD 0.00017 and 0.00019; 1000 Genomes Project 0.00020; TOPMed 0.00045.
gnomAD v4.1: 132 of 1,613,878 alleles (0.0082%); highest among the groups gnomAD compares: Admixed American, 0.14%; no homozygotes.

Submissions (3):

PreventionGenetics, part of Exact Sciences
Classification: Uncertain significance for MYH7B-related condition. Last evaluated: 2026-06-16. Review status: criteria provided, single submitter. Criteria: ACMG Guidelines, 2015. Collection method: clinical testing. Allele origin: germline.
Comment: The MYH7B c.5837G>A variant is predicted to result in the amino acid substitution p.Arg1946His. To our knowledge, this variant has not been reported in the literature. This variant is reported in 0.13% of alleles in individuals of Latino descent in gnomAD, which may be too frequent to be a primary cause of disease. Although we suspect that this variant may be benign, at this time, the clinical significance of this variant is uncertain due to the absence of conclusive functional and genetic evidence.

Labcorp Genetics (formerly Invitae), Labcorp
Classification: Uncertain significance. Last evaluated: 2025-12-30. Review status: criteria provided, single submitter. Criteria: Invitae Variant Classification Sherloc (09022015). Collection method: clinical testing. Allele origin: germline.
Comment: This sequence change replaces arginine, which is basic and polar, with histidine, which is basic and polar, at codon 1946 of the MYH7B protein (p.Arg1946His). This variant is present in population databases (rs200260477, gnomAD 0.1%), and has an allele count higher than expected for a pathogenic variant. This variant has not been reported in the literature in individuals affected with MYH7B-related conditions. ClinVar contains an entry for this variant (Variation ID: 1504867). Invitae Evidence Modeling of protein sequence and biophysical properties (such as structural, functional, and spatial information, amino acid conservation, physicochemical variation, residue mobility, and thermodynamic stability) indicates that this missense variant is expected to disrupt MYH7B protein function with a positive predictive value of 80%. In summary, the available evidence is currently insufficient to determine the role of this variant in disease. Therefore, it has been classified as a Variant of Uncertain Significance.

Ambry Genetics
Classification: Uncertain significance. Last evaluated: 2025-12-16. Review status: criteria provided, single submitter. Criteria: Ambry Variant Classification Scheme 2023. Collection method: clinical testing. Allele origin: germline.